The following is an entry in ClinVar:

ClinVar aggregate classification (germline): Uncertain significance. Review status: criteria provided, multiple submitters, no conflicts (2 of 4 stars). 2 submissions from 2 submitters: Uncertain significance (2). Last evaluated 2024-09-27.

Conditions:
Hypertrophic cardiomyopathy. Also called: HYPERTROPHIC MYOCARDIOPATHY. Identifiers: Orphanet 217569, MedGen C0007194, MeSH D002312, MONDO:0005045, HP:0001639.

Allele frequency attached by ClinVar (database versions not stated): gnomAD exomes 0.00001; TOPMed 0.00001.
gnomAD v4.1: 8 of 1,613,932 alleles (0.0005%); highest among the groups gnomAD compares: Non-Finnish European, 0.00068%; no homozygotes.

Submissions (2):

Labcorp Genetics (formerly Invitae), Labcorp
Classification: Uncertain significance for Hypertrophic cardiomyopathy. Last evaluated: 2024-09-27. Review status: criteria provided, single submitter. Criteria: Invitae Variant Classification Sherloc (09022015). Collection method: clinical testing. Allele origin: germline.
Comment: This sequence change replaces phenylalanine, which is neutral and non-polar, with leucine, which is neutral and non-polar, at codon 279 of the MYOM1 protein (p.Phe279Leu). This variant is not present in population databases (gnomAD no frequency). This variant has not been reported in the literature in individuals affected with MYOM1-related conditions. ClinVar contains an entry for this variant (Variation ID: 1763160). Invitae Evidence Modeling of protein sequence and biophysical properties (such as structural, functional, and spatial information, amino acid conservation, physicochemical variation, residue mobility, and thermodynamic stability) has been performed for this missense variant. However, the output from this modeling did not meet the statistical confidence thresholds required to predict the impact of this variant on MYOM1 protein function. In summary, the available evidence is currently insufficient to determine the role of this variant in disease. Therefore, it has been classified as a Variant of Uncertain Significance.

Ambry Genetics
Classification: Uncertain significance. Last evaluated: 2022-07-27. Review status: criteria provided, single submitter. Criteria: Ambry Variant Classification Scheme 2023. Collection method: clinical testing. Allele origin: germline.
Comment: The p.F279L variant (also known as c.837T>G), located in coding exon 4 of the MYOM1 gene, results from a T to G substitution at nucleotide position 837. The phenylalanine at codon 279 is replaced by leucine, an amino acid with highly similar properties. This amino acid position is conserved. In addition, this alteration is predicted to be deleterious by in silico analysis. Since supporting evidence is limited at this time, the clinical significance of this alteration remains unclear.

NM_003803.4(MYOM1):c.837T>G (p.Phe279Leu)

Gene: MYOM1 (myomesin 1; minus strand). Cytogenetic location: 18p11.31.
Variant type: single nucleotide variant.
Coding change: c.837T>G on transcript NM_003803.4 (MANE Select); coding-DNA position 837, T replaced by G.
Protein change: p.Phe279Leu; replaces phenylalanine 279 with leucine.
Molecular consequence: missense variant.
Genome position (GRCh38, 1-based): chr18:3,187,572, A>C on the plus strand (T>G on the coding strand, the complement: MYOM1 is on the minus strand). VCF-style: chr18-3187572-A-C. GRCh37 (hg19) VCF-style: chr18-3187570-A-C.
Other names: c.837T>G, p.Phe279Leu (NM_019856.2); short protein forms F279L.
Identifiers: ClinVar variation 1763160 (VCV001763160.4), dbSNP rs2080835962, ClinGen allele CA401716235.